The following is an entry in ClinVar:

NC_000002.11:g.(?_231065581)_(231081642_?)del

Gene: SP110 (SP110 nuclear body protein; minus strand). Cytogenetic location: 2q37.1.
Variant type: Deletion.
Identifiers: ClinVar variation 3247280 (VCV003247280.1).

ClinVar aggregate classification (germline): Pathogenic (1 of 4 stars; one submission).

Conditions:
Hepatic veno-occlusive disease-immunodeficiency syndrome. Also called: Hepatic Veno-Occlusive Disease with Immunodeficiency. Identifiers: Orphanet 79124, MedGen C1856128, MONDO:0009338, OMIM 235550. Disease mechanism: loss of function.

Submission:

Labcorp Genetics (formerly Invitae), Labcorp
Classification: Pathogenic for Hepatic veno-occlusive disease-immunodeficiency syndrome. Last evaluated: 2024-01-09. Review status: criteria provided, single submitter. Criteria: Invitae Variant Classification Sherloc (09022015). Collection method: clinical testing. Allele origin: unknown.
Comment: This variant is a gross deletion of the genomic region encompassing exon(s) 2-10 of the SP110 gene, which includes the initiator codon. This deletion extends beyond the assayed region for this gene and therefore may encompass additional genes. It is expected to result in an absent or disrupted protein product. Loss-of-function variants in SP110 are known to be pathogenic (PMID: 16648851, 22621957). This variant has not been reported in the literature in individuals affected with SP110-related conditions. For these reasons, this variant has been classified as Pathogenic.

Literature cited by the submitters: PubMed 16648851; PubMed 22621957.